The following is an entry in ClinVar:

ClinVar aggregate classification (germline): Uncertain significance (1 of 4 stars; one submission).

Submission:

Ambry Genetics
Classification: Uncertain significance. Last evaluated: 2025-06-25. Review status: criteria provided, single submitter. Criteria: Ambry Variant Classification Scheme 2023. Collection method: clinical testing. Allele origin: germline.
Comment: The c.-3G>A variant is located in the 5' untranslated region (5&rsquo; UTR) of the RPS20 gene. This variant results from a G to A substitution 3 bases upstream from the first translated codon. This nucleotide position is well conserved in available vertebrate species. Based on the available evidence, the clinical significance of this variant remains unclear.

NM_001023.4(RPS20):c.-3G>A

Gene: RPS20 (ribosomal protein S20; minus strand). Cytogenetic location: 8q12.1.
Variant type: single nucleotide variant.
Coding change: c.-3G>A on transcript NM_001023.4 (MANE Select); 3 bases upstream of the start codon, G replaced by A.
Molecular consequence: 5 prime UTR variant.
Genome position (GRCh38, 1-based): chr8:56,074,386, C>T on the plus strand (G>A on the coding strand, the complement: RPS20 is on the minus strand). VCF-style: chr8-56074386-C-T. GRCh37 (hg19) VCF-style: chr8-56986945-C-T.
Other names: c.-3G>A (NM_001146227.3).
Identifiers: ClinVar variation 4156736 (VCV004156736.1).